The following is an entry in ClinVar:

NM_000492.4(CFTR):c.743+2T>A

Gene: CFTR (CF transmembrane conductance regulator; plus strand). Cytogenetic location: 7q31.2.
Variant type: single nucleotide variant.
Coding change: c.743+2T>A on transcript NM_000492.4 (MANE Select); the canonical splice donor site of the intron after coding-DNA position 743, T replaced by A.
Molecular consequence: splice donor variant.
Genome position (GRCh38, 1-based): chr7:117,535,413, T>A. VCF-style: chr7-117535413-T-A. GRCh37 (hg19) VCF-style: chr7-117175467-T-A.
Identifiers: ClinVar variation 3628587 (VCV003628587.2).

ClinVar aggregate classification (germline): Pathogenic (1 of 4 stars; one submission).

Conditions:
Cystic fibrosis (CF). Also called: MUCOVISCIDOSIS. Identifiers: Orphanet 586, MedGen C0010674, MONDO:0009061, OMIM 219700. Disease mechanism: loss of function.

Submission:

Labcorp Genetics (formerly Invitae), Labcorp
Classification: Pathogenic for Cystic fibrosis. Last evaluated: 2025-01-15. Review status: criteria provided, single submitter. Criteria: Invitae Variant Classification Sherloc (09022015). Collection method: clinical testing. Allele origin: germline.
Comment: This sequence change affects a donor splice site in intron 6 of the CFTR gene. It is expected to disrupt RNA splicing. Variants that disrupt the donor or acceptor splice site typically lead to a loss of protein function (PMID: 16199547), and loss-of-function variants in CFTR are known to be pathogenic (PMID: 1695717, 7691345, 9725922). This variant is not present in population databases (gnomAD no frequency). Disruption of this splice site has been observed in individuals with cystic fibrosis (PMID: 12454843, 19481507). Algorithms developed to predict the effect of sequence changes on RNA splicing suggest that this variant may disrupt the consensus splice site. For these reasons, this variant has been classified as Pathogenic.

Literature cited by the submitters: PubMed 16199547; PubMed 1695717; PubMed 7691345; PubMed 9725922; PubMed 12454843; PubMed 19481507.